The following is an entry in ClinVar:

NM_173477.5(USH1G):c.436C>T (p.Arg146Cys)

Gene: USH1G (USH1 protein network component sans; minus strand). Cytogenetic location: 17q25.1.
Variant type: single nucleotide variant.
Coding change: c.436C>T on transcript NM_173477.5 (MANE Select); coding-DNA position 436, C replaced by T.
Protein change: p.Arg146Cys; replaces arginine 146 with cysteine.
Molecular consequence: missense variant.
Genome position (GRCh38, 1-based): chr17:74,920,400, G>A on the plus strand (C>T on the coding strand, the complement: USH1G is on the minus strand). VCF-style: chr17-74920400-G-A. GRCh37 (hg19) VCF-style: chr17-72916495-G-A.
Other names: c.127C>T, p.Arg43Cys (NM_001282489.3); short protein forms R146C, R43C.
Identifiers: ClinVar variation 325057 (VCV000325057.12), dbSNP rs141791769, ClinGen allele CA10650935.
Genomic context (GRCh38, chr17:74,920,400, plus strand): 5'-GGTATCGCCGCTCCATGCGTTCGTGGTGCCTCCGCTGCAGCTTGGCGCACTCGCGGATGC[G>A]CCGCTCCGCCTCGCGGAAGGCCTTGTCCTTCAGCTTACCCACCAGCTTGGGGTTGAGGCT-3'
Protein context (NP_775748.2, residues 136-156): KDKAFREAER[Arg146Cys]IRECAKLQRR

ClinVar aggregate classification (germline): Uncertain significance. Review status: criteria provided, multiple submitters, no conflicts (2 of 4 stars). 3 submissions from 3 submitters: Uncertain significance (3). Last evaluated 2025-09-02.

Conditions:
Usher syndrome type 1G. Also called: USHER SYNDROME, TYPE IG, MILD. Identifiers: Orphanet 231169, Orphanet 886, MedGen C1847089, MONDO:0011748, OMIM 606943.

Allele frequency attached by ClinVar (database versions not stated): gnomAD 0.00001; gnomAD exomes 0.00001; TOPMed 0.00002.
gnomAD v4.1: 8 of 1,613,152 alleles (0.0005%); highest among the groups gnomAD compares: Admixed American, 0.005%; no homozygotes.

Submissions (3):

Labcorp Genetics (formerly Invitae), Labcorp
Classification: Uncertain significance. Last evaluated: 2025-09-02. Review status: criteria provided, single submitter. Criteria: Invitae Variant Classification Sherloc (09022015). Collection method: clinical testing. Allele origin: germline.
Comment: This sequence change replaces arginine, which is basic and polar, with cysteine, which is neutral and slightly polar, at codon 146 of the USH1G protein (p.Arg146Cys). This variant is present in population databases (no rsID available, gnomAD 0.003%). This variant has not been reported in the literature in individuals affected with USH1G-related conditions. ClinVar contains an entry for this variant (Variation ID: 325057). Invitae Evidence Modeling of protein sequence and biophysical properties (such as structural, functional, and spatial information, amino acid conservation, physicochemical variation, residue mobility, and thermodynamic stability) indicates that this missense variant is expected to disrupt USH1G protein function with a positive predictive value of 80%. In summary, the available evidence is currently insufficient to determine the role of this variant in disease. Therefore, it has been classified as a Variant of Uncertain Significance.

Blueprint Genetics
Classification: Uncertain significance. Last evaluated: 2023-07-03. Review status: criteria provided, single submitter. Criteria: ACMG Guidelines, 2015. Collection method: clinical testing. Allele origin: germline.

Illumina Laboratory Services, Illumina
Classification: Uncertain significance for Usher syndrome type 1G. Last evaluated: 2018-01-12. Review status: criteria provided, single submitter. Criteria: ICSL Variant Classification Criteria 13 December 2019. Collection method: clinical testing. Allele origin: germline.